The following is an entry in ClinVar:

NM_015001.3(SPEN):c.1391T>C (p.Ile464Thr)

Gene: SPEN (spen family transcriptional repressor; plus strand). Cytogenetic location: 1p36.13.
Variant type: single nucleotide variant.
Coding change: c.1391T>C on transcript NM_015001.3 (MANE Select); coding-DNA position 1391, T replaced by C.
Protein change: p.Ile464Thr; replaces isoleucine 464 with threonine.
Molecular consequence: missense variant.
Genome position (GRCh38, 1-based): chr1:15,916,275, T>C. VCF-style: chr1-15916275-T-C. GRCh37 (hg19) VCF-style: chr1-16242770-T-C.
Other names: short protein forms I464T.
Identifiers: ClinVar variation 5005002 (VCV005005002.2).

ClinVar aggregate classification (germline): Uncertain significance (1 of 4 stars; one submission).

Conditions:
Radio-Tartaglia syndrome. Identifiers: Orphanet 662234, MedGen C5543339, MONDO:0859143, OMIM 619312.

Submission:

Juno Genomics, Hangzhou Juno Genomics, Inc
Classification: Uncertain significance for Radio-Tartaglia syndrome. Review status: criteria provided, single submitter. Criteria: ACMG Guidelines, 2015. Collection method: clinical testing. Allele origin: germline.
Comment: Missense variant in a gene that has a low rate of benign missense variation.;Multiple lines of computational evidence support a deleterious effect on the gene or gene product.;Absent from controls (or at extremely low frequency if recessive) in Genome Aggregation Database.